The following is an entry in ClinVar:

NM_002529.4(NTRK1):c.2046dup (p.Val683fs)

Gene: NTRK1 (neurotrophic receptor tyrosine kinase 1; plus strand). Cytogenetic location: 1q23.1.
Variant type: Duplication.
Coding change: c.2046dup on transcript NM_002529.4 (MANE Select); coding-DNA position 2046, one base duplicated (T; older notation c.2046dupT).
Protein change: p.Val683fs; shifts the reading frame from valine 683.
Molecular consequence: frameshift variant.
Genome position (GRCh38, 1-based): chr1:156,879,362, T duplicated. VCF-style (leftmost placement, unchanged base first): chr1-156879361-G-GT. GRCh37 (hg19) VCF-style: chr1-156849153-G-GT.
Other names: c.1938dup, p.Val647fs (NM_001007792.1); c.2028dup, p.Val677fs (NM_001012331.2); short protein forms V647fs, V677fs, V683fs.
Identifiers: ClinVar variation 1687402 (VCV001687402.4), dbSNP rs2102925337, ClinGen allele CA2573131113.

ClinVar aggregate classification (germline): Pathogenic/Likely pathogenic. Review status: criteria provided, multiple submitters, no conflicts (2 of 4 stars). 2 submissions from 2 submitters: Pathogenic (1); Likely pathogenic (1). Last evaluated 2023-09-08.

Conditions:
Hereditary insensitivity to pain with anhidrosis (CIPA). Also called: INSENSITIVITY TO PAIN, CONGENITAL, WITH ANHIDROSIS; FAMILIAL DYSAUTONOMIA, TYPE II; hereditary sensory and autonomic neuropathy type 4; NEUROPATHY, CONGENITAL SENSORY, WITH ANHIDROSIS; HSAN Type IV; NTRK1 Congenital Insensitivity to Pain with Anhidrosis. Identifiers: Orphanet 642, MedGen C0020074, MONDO:0009746, OMIM 256800.

Submissions (2):

Labcorp Genetics (formerly Invitae), Labcorp
Classification: Pathogenic for Hereditary insensitivity to pain with anhidrosis. Last evaluated: 2023-09-08. Review status: criteria provided, single submitter. Criteria: Invitae Variant Classification Sherloc (09022015). Collection method: clinical testing. Allele origin: germline.
Comment: For these reasons, this variant has been classified as Pathogenic. ClinVar contains an entry for this variant (Variation ID: 1687402). This variant has not been reported in the literature in individuals affected with NTRK1-related conditions. This variant is not present in population databases (gnomAD no frequency). This sequence change creates a premature translational stop signal (Splice site) in the NTRK1 gene. It is expected to result in an absent or disrupted protein product. Loss-of-function variants in NTRK1 are known to be pathogenic (PMID: 10982191).

3billion
Classification: Likely pathogenic for Hereditary insensitivity to pain with anhidrosis. Last evaluated: 2022-05-22. Review status: criteria provided, single submitter. Criteria: ACMG Guidelines, 2015. Collection method: clinical testing. Allele origin: germline. Affected: yes. Observed: 1 heterozygote.
Comment: The variant is not observed in the gnomAD v2.1.1 dataset. Frameshift: predicted to result in a loss or disruption of normal protein function through nonsense-mediated decay (NMD) or protein truncation. Multiple pathogenic variants are reported downstream of the variant. Therefore, this variant is classified as likely pathogenic according to the recommendation of ACMG/AMP guideline.

Literature cited by the submitters: PubMed 10982191 (cited by Labcorp Genetics (formerly Invitae), Labcorp).